The following is an entry in ClinVar:

NM_004369.4(COL6A3):c.403G>A (p.Gly135Arg)

Gene: COL6A3 (collagen type VI alpha 3 chain; minus strand). Cytogenetic location: 2q37.3.
Variant type: single nucleotide variant.
Coding change: c.403G>A on transcript NM_004369.4 (MANE Select); coding-DNA position 403, G replaced by A.
Protein change: p.Gly135Arg; replaces glycine 135 with arginine.
Molecular consequence: missense variant. On other transcripts: intron variant (4).
Genome position (GRCh38, 1-based): chr2:237,394,893, C>T on the plus strand (G>A on the coding strand, the complement: COL6A3 is on the minus strand). VCF-style: chr2-237394893-C-T. GRCh37 (hg19) VCF-style: chr2-238303536-C-T.
Other names: c.91+1834G>A (NM_057166.5, NM_057167.4, NM_057164.5 and 1 more transcripts); short protein forms G135R.
Identifiers: ClinVar variation 1709932 (VCV001709932.3), dbSNP rs777304407, ClinGen allele CA67842148.

ClinVar aggregate classification (germline): Uncertain significance. Review status: criteria provided, multiple submitters, no conflicts (2 of 4 stars). 2 submissions from 2 submitters: Uncertain significance (2). Last evaluated 2026-01-09.

Conditions:
Inborn genetic diseases. Identifiers: MedGen C0950123, MeSH D030342.
Bethlem myopathy 1A. Also called: Bethlem Muscular Dystrophy; MYOPATHY, BENIGN CONGENITAL, WITH CONTRACTURES; Bethlem myopathy 1. Identifiers: Orphanet 610, MedGen CN029274, MONDO:0024530, OMIM 158810.

Allele frequency attached by ClinVar (database versions not stated): gnomAD exomes 0.00001.
gnomAD v4.1: 5 of 1,611,770 alleles (0.00031%); highest among the groups gnomAD compares: Non-Finnish European, 0.00042%; no homozygotes.

Submissions (2):

Ambry Genetics
Classification: Uncertain significance for Inborn genetic diseases. Last evaluated: 2026-01-09. Review status: criteria provided, single submitter. Criteria: Ambry Variant Classification Scheme 2023. Collection method: clinical testing. Allele origin: germline.

MGZ Medical Genetics Center
Classification: Uncertain significance for Bethlem myopathy 1A. Last evaluated: 2022-03-24. Review status: criteria provided, single submitter. Criteria: ACMG Guidelines, 2015. Collection method: clinical testing. Allele origin: germline. Affected: yes. Observed: 1 variant allele.
Comment: ACMG criteria applied: PM2_SUP, PP3